The following is an entry in ClinVar:

ClinVar aggregate classification (germline): Pathogenic (1 of 4 stars; one submission).

Conditions:
Microphthalmia, isolated, with coloboma 3 (MCOPCB3). Also called: MICROPHTHALMIA/COLOBOMA 3; MICROPHTHALMIA, COLOBOMATOUS, 3. Identifiers: Orphanet 98938, MedGen C1864721, MONDO:0012408, OMIM 610092.

Submission:

Myriad Genetics, Inc.
Classification: Pathogenic for Microphthalmia, isolated, with coloboma 3. Last evaluated: 2023-09-27. Review status: criteria provided, single submitter. Criteria: Myriad Autosomal Dominant, Autosomal Recessive and X-Linked Classification Criteria (2023). Collection method: clinical testing. Allele origin: unknown.
Comment: NM_182894.2(VSX2):c.210dupC(A71Rfs*56) is expected to be pathogenic in the context of microphthalmia, anophthalmia, and coloboma, VSX2-related. This variant is predicted to lead to an abnormal or absent protein product due to the creation of a premature termination codon in VSX2, a gene where loss-of-function variants are known to be pathogenic. Please note: this variant was assessed in the context of healthy population screening.

NM_182894.3(VSX2):c.210dup (p.Ala71fs)

Gene: VSX2 (visual system homeobox 2; plus strand). Cytogenetic location: 14q24.3.
Variant type: Duplication.
Coding change: c.210dup on transcript NM_182894.3 (MANE Select); coding-DNA position 210, one base duplicated (C; older notation c.210dupC).
Protein change: p.Ala71fs; shifts the reading frame from alanine 71.
Molecular consequence: frameshift variant.
Genome position (GRCh38, 1-based): chr14:74,239,771, C duplicated; the last of 4 consecutive C bases (chr14:74,239,768-74,239,771); duplicating any one gives the same sequence. VCF-style (leftmost placement, unchanged base first): chr14-74239767-G-GC. GRCh37 (hg19) VCF-style: chr14-74706470-G-GC.
Other names: short protein forms A71fs.
Identifiers: ClinVar variation 5012128 (VCV005012128.1).